The following is an entry in ClinVar:

NM_016628.5(WAC):c.260G>C (p.Arg87Thr)

Gene: WAC (WW domain containing adaptor with coiled-coil; plus strand). Cytogenetic location: 10p12.1.
Variant type: single nucleotide variant.
Coding change: c.260G>C on transcript NM_016628.5 (MANE Select); coding-DNA position 260, G replaced by C.
Protein change: p.Arg87Thr; replaces arginine 87 with threonine.
Molecular consequence: missense variant.
Genome position (GRCh38, 1-based): chr10:28,535,743, G>C. VCF-style: chr10-28535743-G-C. GRCh37 (hg19) VCF-style: chr10-28824672-G-C.
Other names: c.125G>C, p.Arg42Thr (NM_100264.3); c.260G>C, p.Arg87Thr (NM_100486.4); short protein forms R42T, R87T.
Identifiers: ClinVar variation 2499922 (VCV002499922.1), dbSNP rs2491537142, ClinGen allele CA376493870.
Genomic context (GRCh38, chr10:28,535,743, plus strand): 5'-ACAAATACAGTGACAGCACAGGTCACAGTAAGGCCAAAAATGTGCATACTCACAGAGTTA[G>C]AGAGAGGGATGGTGGTGAGTATCTTTCTTGTTGAAACTTTGACATACAGTTTTAACAATA-3'
Protein context (NP_057712.2, residues 77-97): KAKNVHTHRV[Arg87Thr]ERDGGTSYSP

ClinVar aggregate classification (germline): Uncertain significance (1 of 4 stars; one submission).

Submission:

GeneDx
Classification: Uncertain significance. Last evaluated: 2022-10-24. Review status: criteria provided, single submitter. Criteria: GeneDx Variant Classification Process June 2021. Collection method: clinical testing. Allele origin: germline. Affected: yes.
Comment: Not observed at significant frequency in large population cohorts (gnomAD); In silico analysis supports that this missense variant has a deleterious effect on protein structure/function; Has not been previously published as pathogenic or benign to our knowledge; In silico analysis is inconclusive as to whether the variant alters gene splicing. In the absence of RNA/functional studies, the actual effect of this sequence change is unknown.